The following is an entry in ClinVar:

NM_207122.2(EXT2):c.939+1del

Gene: EXT2 (exostosin glycosyltransferase 2; plus strand). Cytogenetic location: 11p11.2.
Variant type: Deletion.
Coding change: c.939+1del on transcript NM_207122.2 (MANE Select); the canonical splice donor site of the intron after coding-DNA position 939, one base deleted (G; older notation c.939+1delG).
Molecular consequence: splice donor variant.
Genome position (GRCh38, 1-based): chr11:44,124,985, G deleted; the last of 2 consecutive G bases (chr11:44,124,984-44,124,985); deleting either gives the same sequence. VCF-style (leftmost placement, unchanged base first): chr11-44124983-AG-A. GRCh37 (hg19) VCF-style: chr11-44146533-AG-A.
Other names: c.939+1del (NM_001389630.1, NM_001178083.3, NM_001389628.1); c.1038+1del (NM_000401.3).
Identifiers: ClinVar variation 1451350 (VCV001451350.6), dbSNP rs2135015765, ClinGen allele CA2573146318.

ClinVar aggregate classification (germline): Pathogenic (1 of 4 stars; one submission).

Conditions:
Exostoses, multiple, type 2 (EXT2). Also called: EXOSTOSES, MULTIPLE, TYPE II; Hereditary Multiple Osteochondromatosis, Type II. Identifiers: Orphanet 321, MedGen C1851413, MONDO:0007586, OMIM 133701.

Submission:

Labcorp Genetics (formerly Invitae), Labcorp
Classification: Pathogenic for Exostoses, multiple, type 2. Last evaluated: 2021-10-04. Review status: criteria provided, single submitter. Criteria: Invitae Variant Classification Sherloc (09022015). Collection method: clinical testing. Allele origin: germline.
Comment: This variant is also known as c.939+1del. Algorithms developed to predict the effect of sequence changes on RNA splicing suggest that this variant may disrupt the consensus splice site. This variant has not been reported in the literature in individuals affected with EXT2-related conditions. This variant is not present in population databases (ExAC no frequency). For these reasons, this variant has been classified as Pathogenic. This sequence change creates a premature translational stop signal (p.Glu314Argfs*18) in the EXT2 gene. It is expected to result in an absent or disrupted protein product. Loss-of-function variants in EXT2 are known to be pathogenic (PMID: 10679937, 19810120).

Literature cited by the submitters: PubMed 10679937; PubMed 19810120.